The following is an entry in ClinVar:

NM_000426.4(LAMA2):c.2686C>T (p.Arg896Trp)

Gene: LAMA2 (laminin subunit alpha 2; plus strand). Cytogenetic location: 6q22.33.
Variant type: single nucleotide variant.
Coding change: c.2686C>T on transcript NM_000426.4 (MANE Select); coding-DNA position 2686, C replaced by T.
Protein change: p.Arg896Trp; replaces arginine 896 with tryptophan.
Molecular consequence: missense variant.
Genome position (GRCh38, 1-based): chr6:129,287,995, C>T. VCF-style: chr6-129287995-C-T. GRCh37 (hg19) VCF-style: chr6-129609140-C-T.
Other names: c.2686C>T, p.Arg896Trp (NM_001079823.2); short protein forms R896W.
Identifiers: ClinVar variation 355259 (VCV000355259.11), dbSNP rs764053957, ClinGen allele CA3993027.

ClinVar aggregate classification (germline): Uncertain significance. Review status: criteria provided, multiple submitters, no conflicts (2 of 4 stars). 4 submissions from 4 submitters: Uncertain significance (4). Last evaluated 2025-10-02.

Conditions:
Congenital muscular dystrophy due to partial LAMA2 deficiency. Identifiers: MedGen C1842898.
LAMA2-related muscular dystrophy (LAMA2-RD). Also called: Laminin alpha 2-related dystrophy. Identifiers: MedGen C5679788, MONDO:0100228.

Allele frequency attached by ClinVar (database versions not stated): ExAC 0.00001; gnomAD exomes 0.00002; TOPMed 0.00003; gnomAD 0.00004 and 0.00005.
gnomAD v4.1: 33 of 1,614,068 alleles (0.002%); highest among the groups gnomAD compares: Middle Eastern, 0.099%; no homozygotes.

Submissions (4):

Labcorp Genetics (formerly Invitae), Labcorp
Classification: Uncertain significance for LAMA2-related muscular dystrophy. Last evaluated: 2025-10-02. Review status: criteria provided, single submitter. Criteria: Invitae Variant Classification Sherloc (09022015). Collection method: clinical testing. Allele origin: germline.
Comment: This sequence change replaces arginine, which is basic and polar, with tryptophan, which is neutral and slightly polar, at codon 896 of the LAMA2 protein (p.Arg896Trp). This variant is present in population databases (rs764053957, gnomAD 0.003%). This variant has not been reported in the literature in individuals affected with LAMA2-related conditions. ClinVar contains an entry for this variant (Variation ID: 355259). Invitae Evidence Modeling of protein sequence and biophysical properties (such as structural, functional, and spatial information, amino acid conservation, physicochemical variation, residue mobility, and thermodynamic stability) indicates that this missense variant is not expected to disrupt LAMA2 protein function with a negative predictive value of 95%. In summary, the available evidence is currently insufficient to determine the role of this variant in disease. Therefore, it has been classified as a Variant of Uncertain Significance.

Revvity Omics, Revvity
Classification: Uncertain significance. Last evaluated: 2023-05-11. Review status: criteria provided, single submitter. Criteria: ACMG Guidelines, 2015. Collection method: clinical testing. Allele origin: germline.

GeneDx
Classification: Uncertain significance. Last evaluated: 2019-10-16. Review status: criteria provided, single submitter. Criteria: GeneDx Variant Classification Process June 2021. Collection method: clinical testing. Allele origin: germline. Affected: yes.
Comment: Not observed at a significant frequency in large population cohorts (Lek et al., 2016); Has not been previously published as pathogenic or benign to our knowledge; This variant is associated with the following publications: (PMID: 31321674)

Illumina Laboratory Services, Illumina
Classification: Uncertain significance for Congenital muscular dystrophy due to partial LAMA2 deficiency. Last evaluated: 2018-01-13. Review status: criteria provided, single submitter. Criteria: ICSL Variant Classification Criteria 13 December 2019. Collection method: clinical testing. Allele origin: germline.